The following is an entry in ClinVar:

NM_000492.4(CFTR):c.1675G>C (p.Ala559Pro)

Genes: CFTR (CF transmembrane conductance regulator; plus strand), LOC111674475 (CFTR intron 11 enhancer; plus strand). Cytogenetic location: 7q31.2.
Variant type: single nucleotide variant.
Coding change: c.1675G>C on transcript NM_000492.4 (MANE Select); coding-DNA position 1675, G replaced by C.
Protein change: p.Ala559Pro; replaces alanine 559 with proline.
Molecular consequence: missense variant.
Genome position (GRCh38, 1-based): chr7:117,587,829, G>C. VCF-style: chr7-117587829-G-C. GRCh37 (hg19) VCF-style: chr7-117227883-G-C.
Other names: p.Ala559Pro; short protein forms A559P.
Identifiers: ClinVar variation 2573429 (VCV002573429.7), dbSNP rs75549581, ClinGen allele CA368976213.

ClinVar aggregate classification (germline): Pathogenic/Likely pathogenic. Review status: criteria provided, multiple submitters, no conflicts (2 of 4 stars). 4 submissions from 4 submitters: Pathogenic (1); Likely pathogenic (3). Last evaluated 2024-12-02.

Conditions:
Cystic fibrosis (CF). Also called: MUCOVISCIDOSIS. Identifiers: Orphanet 586, MedGen C0010674, MONDO:0009061, OMIM 219700. Disease mechanism: loss of function.
CFTR-related disorder (CFTR-RD). Also called: CFTR-related disorders; CFTR-related condition. Identifiers: MedGen C5924204, MONDO:7770004.

Submissions (4):

Women's Health and Genetics/Laboratory Corporation of America, LabCorp
Classification: Pathogenic for Cystic fibrosis. Last evaluated: 2024-12-02. Review status: criteria provided, single submitter. Criteria: LabCorp Variant Classification Summary - May 2015. Collection method: clinical testing. Allele origin: germline.
Comment: Variant summary: CFTR c.1675G>C (p.Ala559Pro) results in a non-conservative amino acid change located in the ATP-binding domain (IPR003439) of the encoded protein sequence. Five of five in-silico tools predict a damaging effect of the variant on protein function. The variant was absent in 250586 control chromosomes. c.1675G>C has been reported in the literature in the homozygous state in an individual affected with Cystic Fibrosis who was identified through a newborn screening program (Ibarra-Gonzalez_2017). A different variant affecting the same codon has been classified as pathogenic by our lab (c.1675G>A, p.Ala559Thr), supporting the critical relevance of codon 559 to CFTR protein function. Additionally, at least one publication reports experimental evidence evaluating an impact on protein function and found that the variant results in approximately 1% of normal chloride channel conductance relative to wild type (Bihler_2024). The following publications have been ascertained in the context of this evaluation (PMID: 28992757, 38388235, 38601560). ClinVar contains an entry for this variant (Variation ID: 2573429). Based on the evidence outlined above, the variant was classified as pathogenic.

Natera, Inc.
Classification: Likely pathogenic for CFTR-related disorders. Last evaluated: 2024-11-26. Review status: criteria provided, single submitter. Criteria: Natera Variant Classification Schema (03/2026). Collection method: clinical testing. Allele origin: germline.
Comment: The c.1675G>C variant in CFTR is a missense variant predicted to cause substitution of alanine to proline at amino acid 559. This variant is rare in the general population with a frequency below the threshold expected for the associated phenotype(s). This variant has been observed in one or more individuals affected with the associated recessive disease, as either homozygous or compound heterozygous with a second variant (PMID: 28992757). A different variant at the same position has been determined to be Pathogenic or Likely Pathogenic. Computational prediction algorithms indicate this variant is likely to affect gene or protein function. Given the available evidence, this variant is classified as Likely Pathogenic.

Labcorp Genetics (formerly Invitae), Labcorp
Classification: Likely pathogenic for Cystic fibrosis. Last evaluated: 2024-05-06. Review status: criteria provided, single submitter. Criteria: Invitae Variant Classification Sherloc (09022015). Collection method: clinical testing. Allele origin: germline.
Comment: This sequence change replaces alanine, which is neutral and non-polar, with proline, which is neutral and non-polar, at codon 559 of the CFTR protein (p.Ala559Pro). This variant is not present in population databases (gnomAD no frequency). This missense change has been observed in individual(s) with clinical features of cystic fibrosis (PMID: 28992757; Invitae). In at least one individual the data is consistent with being in trans (on the opposite chromosome) from a pathogenic variant. ClinVar contains an entry for this variant (Variation ID: 2573429). Advanced modeling of protein sequence and biophysical properties (such as structural, functional, and spatial information, amino acid conservation, physicochemical variation, residue mobility, and thermodynamic stability) performed at Invitae indicates that this missense variant is expected to disrupt CFTR protein function with a positive predictive value of 80%. This variant disrupts the p.Ala559 amino acid residue in CFTR. Other variant(s) that disrupt this residue have been determined to be pathogenic (PMID: 7668304, 23670503, 23974870, 25489051). This suggests that this residue is clinically significant, and that variants that disrupt this residue are likely to be disease-causing. In summary, the currently available evidence indicates that the variant is pathogenic, but additional data are needed to prove that conclusively. Therefore, this variant has been classified as Likely Pathogenic.

Mayo Clinic Laboratories, Mayo Clinic
Classification: Likely pathogenic. Last evaluated: 2022-05-13. Review status: criteria provided, single submitter. Criteria: ACMG Guidelines, 2015. Collection method: clinical testing. Allele origin: germline. Observed: 1 variant allele.
Comment: PP3, PM2, PM3_supporting, PM5

Literature cited by the submitters: PubMed 28992757 (cited by 3 submitters); PubMed 38388235 (cited by Women's Health and Genetics/Laboratory Corporation of America, LabCorp); PubMed 38601560 (cited by Women's Health and Genetics/Laboratory Corporation of America, LabCorp); PubMed 7668304 (cited by Labcorp Genetics (formerly Invitae), Labcorp); PubMed 23670503 (cited by Labcorp Genetics (formerly Invitae), Labcorp); PubMed 23974870 (cited by Labcorp Genetics (formerly Invitae), Labcorp); PubMed 25489051 (cited by Labcorp Genetics (formerly Invitae), Labcorp).